The following is an entry in ClinVar:

ClinVar aggregate classification (germline): Uncertain significance (1 of 4 stars; one submission).

Conditions:
Koolen-de Vries syndrome (KDVS). Identifiers: Orphanet 96169, MedGen C1864871, MONDO:0012496, OMIM 610443.

Submission:

Labcorp Genetics (formerly Invitae), Labcorp
Classification: Uncertain significance for Koolen-de Vries syndrome. Last evaluated: 2020-09-18. Review status: criteria provided, single submitter. Criteria: Invitae Variant Classification Sherloc (09022015). Collection method: clinical testing. Allele origin: germline.
Comment: In summary, the available evidence is currently insufficient to determine the role of this variant in disease. Therefore, it has been classified as a Variant of Uncertain Significance. Algorithms developed to predict the effect of missense changes on protein structure and function output the following: SIFT: "Deleterious"; PolyPhen-2: "Benign"; Align-GVGD: "Class C0". The serine amino acid residue is found in multiple mammalian species, suggesting that this missense change does not adversely affect protein function. These predictions have not been confirmed by published functional studies and their clinical significance is uncertain. This variant has not been reported in the literature in individuals with KANSL1-related conditions. This variant is not present in population databases (ExAC no frequency). This sequence change replaces asparagine with serine at codon 773 of the KANSL1 protein (p.Asn773Ser). The asparagine residue is moderately conserved and there is a small physicochemical difference between asparagine and serine.

NM_015443.4(KANSL1):c.2318A>G (p.Asn773Ser)

Gene: KANSL1 (KAT8 regulatory NSL complex subunit 1). Cytogenetic location: 17q21.31.
Variant type: single nucleotide variant.
Coding change: c.2318A>G on transcript NM_015443.4 (MANE Select); coding-DNA position 2318, A replaced by G.
Protein change: p.Asn773Ser; replaces asparagine 773 with serine.
Molecular consequence: missense variant.
Genome position (GRCh38, 1-based): chr17:46,039,101, T>C on the plus strand (A>G on the coding strand, the complement: KANSL1 is on the minus strand). VCF-style: chr17-46039101-T-C. GRCh37 (hg19) VCF-style: chr17-44116467-T-C.
Other names: c.2318A>G, p.Asn773Ser (NM_001193465.2, NM_001193466.2, NM_001379198.1); short protein forms N773S.
Identifiers: ClinVar variation 1059802 (VCV001059802.9), dbSNP rs2077235740, ClinGen allele CA399981056.